The following is an entry in ClinVar:

NM_000632.4(ITGAM):c.718A>G (p.Asn240Asp)

Genes: ITGAM (integrin subunit alpha M; plus strand), LOC126862332 (BRD4-independent group 4 enhancer GRCh37_chr16:31284654-31285853; plus strand). Cytogenetic location: 16p11.2.
Variant type: single nucleotide variant.
Coding change: c.718A>G on transcript NM_000632.4 (MANE Select); coding-DNA position 718, A replaced by G.
Protein change: p.Asn240Asp; replaces asparagine 240 with aspartic acid.
Molecular consequence: missense variant.
Genome position (GRCh38, 1-based): chr16:31,273,378, A>G. VCF-style: chr16-31273378-A-G. GRCh37 (hg19) VCF-style: chr16-31284699-A-G.
Other names: c.718A>G, p.Asn240Asp (NM_001145808.2); short protein forms N240D.
Identifiers: ClinVar variation 3000060 (VCV003000060.3), dbSNP rs778590336, ClinGen allele CA8025322.
Genomic context (GRCh38, chr16:31,273,378, plus strand): 5'-GTGTCATCTACTTGCATTTGACTTTGTCCCTCCTGTTTCCTGCACAGACGAGAGCTGTTT[A>G]ACATCACCAACGGAGCCCGAAAGAATGCCTTTAAGATCCTAGTTGTCATCACGGATGGAG-3'
Protein context (NP_000623.2, residues 230-250): GIRKVVRELF[Asn240Asp]ITNGARKNAF

ClinVar aggregate classification (germline): Uncertain significance (1 of 4 stars; one submission).

Allele frequency attached by ClinVar (database versions not stated): TOPMed below 0.00001; ExAC 0.00001; gnomAD 0.00001.
gnomAD v4.1: 2 of 1,613,580 alleles (0.00012%); highest among the groups gnomAD compares: Non-Finnish European, 0.00017%; no homozygotes.

Submission:

Labcorp Genetics (formerly Invitae), Labcorp
Classification: Uncertain significance. Last evaluated: 2022-12-22. Review status: criteria provided, single submitter. Criteria: Invitae Variant Classification Sherloc (09022015). Collection method: clinical testing. Allele origin: germline.
Comment: This variant is present in population databases (rs778590336, gnomAD 0.002%). This variant has not been reported in the literature in individuals affected with ITGAM-related conditions. Algorithms developed to predict the effect of missense changes on protein structure and function output the following: SIFT: "Tolerated"; PolyPhen-2: "Benign"; Align-GVGD: "Class C0". The aspartic acid amino acid residue is found in multiple mammalian species, which suggests that this missense change does not adversely affect protein function. In summary, the available evidence is currently insufficient to determine the role of this variant in disease. Therefore, it has been classified as a Variant of Uncertain Significance. This sequence change replaces asparagine, which is neutral and polar, with aspartic acid, which is acidic and polar, at codon 240 of the ITGAM protein (p.Asn240Asp).